The following is an entry in ClinVar:

NM_024411.5(PDYN):c.717del (p.Ser240fs)

Genes: PDYN-AS1 (PDYN antisense RNA 1; plus strand), PDYN (prodynorphin; minus strand). Cytogenetic location: 20p13.
Variant type: Deletion.
Coding change: c.717del on transcript NM_024411.5 (MANE Select); coding-DNA position 717, one base deleted (G; older notation c.717delG).
Protein change: p.Ser240fs; shifts the reading frame from serine 240.
Molecular consequence: frameshift variant.
Genome position (GRCh38, 1-based): chr20:1,980,371, C deleted on the plus strand (G on the coding strand, the reverse complement: PDYN is on the minus strand); the first of 2 consecutive C bases (chr20:1,980,371-1,980,372); deleting either gives the same sequence. VCF-style (leftmost placement, unchanged base first): chr20-1980370-AC-A. GRCh37 (hg19) VCF-style: chr20-1961016-AC-A.
Other names: c.717del, p.Ser240fs (NM_001190892.1, NM_001190898.3, NM_001190899.2 and 1 more transcripts); short protein forms S240fs.
Identifiers: ClinVar variation 4883724 (VCV004883724.2).
Genomic context (GRCh38, chr20:1,980,370, plus strand): 5'-TGAAAAGAGGTGCTTATGCATCAAAAAGCTCTCCAGAGTAAGCATTCGGATCTTCCTGAG[AC>A]CGAGTCACCACCTTGAACTGGCGCCGGAGAAAACCGCCATAGCGCTTCTGGTTGTCCCAC-3'

ClinVar aggregate classification (germline): Uncertain significance (1 of 4 stars; one submission).

Submission:

Dasa
Classification: Uncertain significance. Last evaluated: 2026-02-27. Review status: criteria provided, single submitter. Criteria: DASA Assertion Criteria. Collection method: clinical testing. Allele origin: germline.
Comment: NM_024411.5(PDYN):c.717del (p.Ser240Leufs*29) is a frameshift variant in PDYN predicted to alter the reading frame and introduce a premature termination codon. This variant is rare in population databases. The currently available literature and clinical evidence are not sufficient to establish a definitive association between this variant and the reported condition. Therefore, this variant is classified as a variant of uncertain significance.